The following is an entry in ClinVar:

NM_024577.4(SH3TC2):c.*391G>C

Gene: SH3TC2 (SH3 domain and tetratricopeptide repeats 2; minus strand). Cytogenetic location: 5q32.
Variant type: single nucleotide variant.
Coding change: c.*391G>C on transcript NM_024577.4 (MANE Select); 391 bases downstream of the stop codon, G replaced by C.
Molecular consequence: 3 prime UTR variant.
Genome position (GRCh38, 1-based): chr5:149,004,320, C>G on the plus strand (G>C on the coding strand, the complement: SH3TC2 is on the minus strand). VCF-style: chr5-149004320-C-G. GRCh37 (hg19) VCF-style: chr5-148383883-C-G.
Identifiers: ClinVar variation 351886 (VCV000351886.5), dbSNP rs117139060, ClinGen allele CA10623524.

ClinVar aggregate classification (germline): Benign. Review status: criteria provided, single submitter (1 of 4 stars). 2 submissions from 1 submitter: Benign (2). Last evaluated 2018-01-13.

Conditions:
Charcot-Marie-Tooth disease type 4C (CMT4C). Also called: CHARCOT-MARIE-TOOTH DISEASE, DEMYELINATING, AUTOSOMAL RECESSIVE, TYPE 4C; CMT 4C; Charcot-Marie-Tooth Neuropathy Type 4C (CMT4C); CHARCOT-MARIE-TOOTH DISEASE, DEMYELINATING, TYPE 4C; SH3TC2-Related Hereditary Motor and Sensory Neuropathy. Identifiers: Orphanet 99949, MedGen C1866636, MONDO:0011113, OMIM 601596.
Susceptibility to mononeuropathy of the median nerve, mild. Also called: CARPAL TUNNEL SYNDROME, SUSCEPTIBILITY TO. Identifiers: MedGen C3150596, MONDO:0013237, OMIM 613353.

Allele frequency attached by ClinVar (database versions not stated): gnomAD 0.00153 and 0.00208; TOPMed 0.00192; gnomAD exomes 0.00286; 1000 Genomes Project 30x 0.00734; 1000 Genomes Project 0.00819.
gnomAD v4.1: 463 of 204,844 alleles (0.23%); highest among the groups gnomAD compares: East Asian, 4.1%; 11 homozygotes.

Submissions (2):

Illumina Laboratory Services, Illumina
Classification: Benign for Susceptibility to mononeuropathy of the median nerve, mild. Last evaluated: 2018-01-13. Review status: criteria provided, single submitter. Criteria: ICSL Variant Classification Criteria 13 December 2019. Collection method: clinical testing. Allele origin: germline.
Comment: This variant was observed in the ICSL laboratory as part of a predisposition screen in an ostensibly healthy population. It had not been previously curated by ICSL or reported in the Human Gene Mutation Database (HGMD: prior to June 1st, 2018), and was therefore a candidate for classification through an automated scoring system. Utilizing variant allele frequency, disease prevalence and penetrance estimates, and inheritance mode, an automated score was calculated to assess if this variant is too frequent to cause the disease. Based on the score and internal cut-off values, a variant classified as benign is not then subjected to further curation. The score for this variant resulted in a classification of benign for this disease.

Illumina Laboratory Services, Illumina
Classification: Benign for Charcot-Marie-Tooth disease type 4C. Last evaluated: 2018-01-13. Review status: criteria provided, single submitter. Criteria: ICSL Variant Classification Criteria 13 December 2019. Collection method: clinical testing. Allele origin: germline.
Comment: the same text as in the submission from Illumina Laboratory Services, Illumina above.